The following is an entry in ClinVar:

NM_019032.6(ADAMTSL4):c.507C>G (p.His169Gln)

Genes: ADAMTSL4 (ADAMTS like 4; plus strand), ADAMTSL4-AS2 (ADAMTSL4 antisense RNA 2; minus strand). Cytogenetic location: 1q21.2.
Variant type: single nucleotide variant.
Coding change: c.507C>G on transcript NM_019032.6 (MANE Select); coding-DNA position 507, C replaced by G.
Protein change: p.His169Gln; replaces histidine 169 with glutamine.
Molecular consequence: missense variant.
Genome position (GRCh38, 1-based): chr1:150,553,498, C>G. VCF-style: chr1-150553498-C-G. GRCh37 (hg19) VCF-style: chr1-150525974-C-G.
Other names: c.507C>G, p.His169Gln (NM_001288607.2, NM_001288608.2, NM_001378596.1 and 1 more transcripts); c.507C>G (NM_019032.4); short protein forms H169Q.
Identifiers: ClinVar variation 1393220 (VCV001393220.6), dbSNP rs143263036, ClinGen allele CA1077976.

ClinVar aggregate classification (germline): Uncertain significance. Review status: criteria provided, multiple submitters, no conflicts (2 of 4 stars). 2 submissions from 2 submitters: Uncertain significance (2). Last evaluated 2025-08-08.

Conditions:
Inborn genetic diseases. Identifiers: MedGen C0950123, MeSH D030342.

Allele frequency attached by ClinVar (database versions not stated): ExAC 0.00006; gnomAD exomes 0.00006; gnomAD 0.00025 and 0.00027; TOPMed 0.00030; ESP Exome Variant Server 0.00031; 1000 Genomes Project 0.00040; 1000 Genomes Project 30x 0.00047.
gnomAD v4.1: 67 of 1,613,948 alleles (0.0042%); highest among the groups gnomAD compares: African/African-American, 0.084%; no homozygotes.

Submissions (2):

Ambry Genetics
Classification: Uncertain significance for Inborn genetic diseases. Last evaluated: 2025-08-08. Review status: criteria provided, single submitter. Criteria: Ambry Variant Classification Scheme 2023. Collection method: clinical testing. Allele origin: germline.

Labcorp Genetics (formerly Invitae), Labcorp
Classification: Uncertain significance. Last evaluated: 2022-08-16. Review status: criteria provided, single submitter. Criteria: Invitae Variant Classification Sherloc (09022015). Collection method: clinical testing. Allele origin: germline.
Comment: This sequence change replaces histidine, which is basic and polar, with glutamine, which is neutral and polar, at codon 169 of the ADAMTSL4 protein (p.His169Gln). This variant is present in population databases (rs143263036, gnomAD 0.08%). This variant has not been reported in the literature in individuals affected with ADAMTSL4-related conditions. ClinVar contains an entry for this variant (Variation ID: 1393220). Algorithms developed to predict the effect of missense changes on protein structure and function are either unavailable or do not agree on the potential impact of this missense change (SIFT: "Deleterious"; PolyPhen-2: "Possibly Damaging"; Align-GVGD: "Class C0"). Algorithms developed to predict the effect of sequence changes on RNA splicing suggest that this variant may create or strengthen a splice site. In summary, the available evidence is currently insufficient to determine the role of this variant in disease. Therefore, it has been classified as a Variant of Uncertain Significance.